The following is an entry in ClinVar:

ClinVar aggregate classification (germline): Uncertain significance (1 of 4 stars; one submission).

Conditions:
Hyperphosphatasia with impaired intellectual development syndrome 2. Also called: GLYCOSYLPHOSPHATIDYLINOSITOL BIOSYNTHESIS DEFECT 6; Hyperphosphatasia with intellectual disability syndrome 2. Identifiers: Orphanet 247262, MedGen C3553637, MONDO:0013882, OMIM 614749.

Submission:

Labcorp Genetics (formerly Invitae), Labcorp
Classification: Uncertain significance for Hyperphosphatasia with impaired intellectual development syndrome 2. Last evaluated: 2022-09-07. Review status: criteria provided, single submitter. Criteria: Invitae Variant Classification Sherloc (09022015). Collection method: clinical testing. Allele origin: germline.
Comment: In summary, the available evidence is currently insufficient to determine the role of this variant in disease. Therefore, it has been classified as a Variant of Uncertain Significance. Experimental studies and prediction algorithms are not available or were not evaluated, and the functional significance of this variant is currently unknown. This variant has not been reported in the literature in individuals affected with PIGO-related conditions. This variant is not present in population databases (gnomAD no frequency). This variant, c.2708_2710del, results in the deletion of 1 amino acid(s) of the PIGO protein (p.Phe903del), but otherwise preserves the integrity of the reading frame.

NM_032634.4(PIGO):c.2708_2710del (p.Phe903del)

Gene: PIGO (phosphatidylinositol glycan anchor biosynthesis class O; minus strand). Cytogenetic location: 9p13.3.
Variant type: Deletion.
Coding change: c.2708_2710del on transcript NM_032634.4 (MANE Select); coding-DNA positions 2708 to 2710, 3 bases deleted (TCT; older notation c.2708_2710delTCT).
Protein change: p.Phe903del; deletes phenylalanine 903.
Molecular consequence: inframe deletion.
Genome position (GRCh38, 1-based): chr9:35,090,610-35,090,612, AGA deleted on the plus strand (TCT on the coding strand, the reverse complement: PIGO is on the minus strand); deleting any 3 consecutive bases within chr9:35,090,610-35,090,614 gives the same sequence; the c. name uses the placement nearest the transcript's 3' end. VCF-style (leftmost placement, unchanged base first): chr9-35090609-TAGA-T. GRCh37 (hg19) VCF-style: chr9-35090606-TAGA-T.
Other names: c.1457_1459del, p.Phe486del (NM_001201484.2, NM_152850.4); short protein forms F486del, F903del.
Identifiers: ClinVar variation 2009555 (VCV002009555.4), dbSNP rs2490439616, ClinGen allele CA2580080405.
Genomic context (GRCh38, chr9:35,090,609, plus strand): 5'-AATCCCACGAAGGCTGCATGCCAATGGATGGCTGGAAAGACAGGCTGGTGGCCTGTGGAG[TAGA>T]AGGTCTGTGTGGCCATGAGGGCCCAAGCCGAGACTGCCTGCCATGGCACAGTAAAAGGAC-3'